The following is an entry in ClinVar:

GRCh38/hg38 20p11.22-q11.1(chr20:22061586-30285812)x3

Genes: MIR663A (microRNA 663a; minus strand), MIR663AHG (MIR663A host gene; minus strand), NANP (N-acetylneuraminic acid phosphatase; minus strand), NAPB (NSF attachment protein beta; minus strand), NINL (ninein like; minus strand) and 172 more. Cytogenetic location: 20p11.22-q11.1.
Variant type: copy number gain.
Change: copy number 3 (three copies instead of two) of chr20:22,061,586-30,285,812 (8.22 Mb, GRCh38 coordinates, 1-based), cytogenetic band 20p11.22-q11.1.
Identifiers: ClinVar variation 59196 (VCV000059196.2).

ClinVar aggregate classification (germline): Pathogenic (1 of 4 stars; one submission).

Submission:

ISCA Site 6
Classification: Pathogenic. Last evaluated: 2011-08-12. Review status: criteria provided, single submitter. Criteria: Kaminsky et al. (Genet Med. 2011). Collection method: clinical testing. Allele origin: unknown. Affected: yes. Observed: 1 variant allele.
Comment: Copy number variation identified through the course of routine clinical cytogenomic testing in postnatal populations. Clinical assertions have been curated as described in Kaminsky et al. 2011.